The following is an entry in ClinVar:

ClinVar aggregate classification (germline): Uncertain significance. Review status: criteria provided, multiple submitters, no conflicts (2 of 4 stars). 4 submissions from 4 submitters: Uncertain significance (4). Last evaluated 2025-09-10.

Conditions:
Inborn genetic diseases. Identifiers: MedGen C0950123, MeSH D030342.
3M syndrome 2. Also called: 3-M Syndrome, OBSL1-Related; THREE M SYNDROME 2. Identifiers: Orphanet 2616, MedGen C2752041, MONDO:0013039, OMIM 612921.

Allele frequency attached by ClinVar (database versions not stated): ExAC 0.00003; TOPMed 0.00005; ESP Exome Variant Server 0.00008.
gnomAD v4.1: 64 of 1,613,118 alleles (0.004%); highest among the groups gnomAD compares: African/African-American, 0.0093%; no homozygotes.

Submissions (4):

Ambry Genetics
Classification: Uncertain significance for Inborn genetic diseases. Last evaluated: 2025-09-10. Review status: criteria provided, single submitter. Criteria: Ambry Variant Classification Scheme 2023. Collection method: clinical testing. Allele origin: germline.

Labcorp Genetics (formerly Invitae), Labcorp
Classification: Uncertain significance. Last evaluated: 2022-09-13. Review status: criteria provided, single submitter. Criteria: Invitae Variant Classification Sherloc (09022015). Collection method: clinical testing. Allele origin: germline.
Comment: This sequence change replaces arginine, which is basic and polar, with histidine, which is basic and polar, at codon 1617 of the OBSL1 protein (p.Arg1617His). This variant is present in population databases (rs375418681, gnomAD 0.008%). This variant has not been reported in the literature in individuals affected with OBSL1-related conditions. ClinVar contains an entry for this variant (Variation ID: 895702). Algorithms developed to predict the effect of missense changes on protein structure and function are either unavailable or do not agree on the potential impact of this missense change (SIFT: "Deleterious"; PolyPhen-2: "Probably Damaging"; Align-GVGD: "Class C0"). In summary, the available evidence is currently insufficient to determine the role of this variant in disease. Therefore, it has been classified as a Variant of Uncertain Significance.

GeneDx
Classification: Uncertain significance. Last evaluated: 2022-02-09. Review status: criteria provided, single submitter. Criteria: GeneDx Variant Classification Process June 2021. Collection method: clinical testing. Allele origin: germline. Affected: yes.
Comment: In silico analysis supports that this missense variant does not alter protein structure/function; Has not been previously published as pathogenic or benign to our knowledge

Illumina Laboratory Services, Illumina
Classification: Uncertain significance for 3M syndrome 2. Last evaluated: 2018-01-13. Review status: criteria provided, single submitter. Criteria: ICSL Variant Classification Criteria 13 December 2019. Collection method: clinical testing. Allele origin: germline.

NM_015311.3(OBSL1):c.4850G>A (p.Arg1617His)

Gene: OBSL1 (obscurin like cytoskeletal adaptor 1; minus strand). Cytogenetic location: 2q35.
Variant type: single nucleotide variant.
Coding change: c.4850G>A on transcript NM_015311.3 (MANE Select); coding-DNA position 4850, G replaced by A.
Protein change: p.Arg1617His; replaces arginine 1617 with histidine.
Molecular consequence: missense variant.
Genome position (GRCh38, 1-based): chr2:219,554,500, C>T on the plus strand (G>A on the coding strand, the complement: OBSL1 is on the minus strand). VCF-style: chr2-219554500-C-T. GRCh37 (hg19) VCF-style: chr2-220419222-C-T.
Other names: short protein forms R1617H.
Identifiers: ClinVar variation 895702 (VCV000895702.10), dbSNP rs375418681, ClinGen allele CA2130415.